The following is an entry in ClinVar:

ClinVar aggregate classification (germline): Likely pathogenic (1 of 4 stars; one submission).

Conditions:
Autosomal dominant nonsyndromic hearing loss 1. Also called: KONIGSMARK SYNDROME; DEAFNESS, AUTOSOMAL DOMINANT 1, WITH OR WITHOUT THROMBOCYTOPENIA. Identifiers: Orphanet 90635, MedGen C1852282, MONDO:0007424, OMIM 124900.
Progressive microcephaly-seizures-cortical blindness-developmental delay syndrome. Also called: Seizures, cortical blindness, and microcephaly syndrome. Identifiers: Orphanet 477814, MedGen C5567650, MONDO:0014714, OMIM 616632.

Allele frequency attached by ClinVar (database versions not stated): gnomAD exomes below 0.00001.
gnomAD v4.1: 3 of 1,611,382 alleles (0.00019%); highest among the groups gnomAD compares: South Asian, 0.0011%; no homozygotes.

Submission:

Labcorp Genetics (formerly Invitae), Labcorp
Classification: Likely pathogenic for Progressive microcephaly-seizures-cortical blindness-developmental delay syndrome; Autosomal dominant nonsyndromic hearing loss 1. Last evaluated: 2023-08-02. Review status: criteria provided, single submitter. Criteria: Invitae Variant Classification Sherloc (09022015). Collection method: clinical testing. Allele origin: germline.
Comment: This sequence change affects a donor splice site in intron 2 of the DIAPH1 gene. It is expected to disrupt RNA splicing. Variants that disrupt the donor or acceptor splice site typically lead to a loss of protein function (PMID: 16199547), and loss-of-function variants in DIAPH1 are known to be pathogenic (PMID: 24781755, 26463574). This variant is not present in population databases (gnomAD no frequency). This variant has not been reported in the literature in individuals affected with DIAPH1-related conditions. Algorithms developed to predict the effect of sequence changes on RNA splicing suggest that this variant may disrupt the consensus splice site. In summary, the currently available evidence indicates that the variant is pathogenic, but additional data are needed to prove that conclusively. Therefore, this variant has been classified as Likely Pathogenic.

Literature cited by the submitters: PubMed 16199547; PubMed 24781755; PubMed 26463574.

NM_005219.5(DIAPH1):c.144+2T>G

Gene: DIAPH1 (diaphanous related formin 1; minus strand). Cytogenetic location: 5q31.3.
Variant type: single nucleotide variant.
Coding change: c.144+2T>G on transcript NM_005219.5 (MANE Select); the canonical splice donor site of the intron after coding-DNA position 144, T replaced by G.
Molecular consequence: splice donor variant. On other transcripts: intron variant (1).
Genome position (GRCh38, 1-based): chr5:141,588,222, A>C on the plus strand (T>G on the coding strand, the complement: DIAPH1 is on the minus strand). VCF-style: chr5-141588222-A-C. GRCh37 (hg19) VCF-style: chr5-140967789-A-C.
Other names: c.118-1025T>G (NM_001079812.3); c.144+2T>G (NM_001314007.2).
Identifiers: ClinVar variation 2950613 (VCV002950613.3), dbSNP rs1596393434, ClinGen allele CA361546885.